The following is an entry in ClinVar:

NM_001105562.3(UBE4B):c.1869T>C (p.Arg623=)

Gene: UBE4B (ubiquitination factor E4B; plus strand). Cytogenetic location: 1p36.22.
Variant type: single nucleotide variant.
Coding change: c.1869T>C on transcript NM_001105562.3 (MANE Select); coding-DNA position 1869, T replaced by C.
Protein change: p.Arg623=; no amino-acid change (arginine 623 retained).
Molecular consequence: synonymous variant.
Genome position (GRCh38, 1-based): chr1:10,130,771, T>C. VCF-style: chr1-10130771-T-C. GRCh37 (hg19) VCF-style: chr1-10190829-T-C.
Other names: c.2022T>C, p.Arg674= (NM_001410744.1); c.1482T>C, p.Arg494= (NM_006048.5).
Identifiers: ClinVar variation 5039704 (VCV005039704.1).

ClinVar aggregate classification (germline): Likely benign (1 of 4 stars; one submission).

gnomAD v4.1: 13 of 1,614,204 alleles (0.00081%); highest among the groups gnomAD compares: Admixed American, 0.012%; no homozygotes.

Submission:

CeGaT Center for Human Genetics Tuebingen
Classification: Likely benign. Last evaluated: 2026-07-01. Review status: criteria provided, single submitter. Criteria: CeGaT Center For Human Genetics Tuebingen Variant Classification Criteria Version 2. Collection method: clinical testing. Allele origin: germline. Affected: yes. Observed: 1 variant allele.
Comment: UBE4B: BP4, BP7